The following is an entry in ClinVar:

ClinVar aggregate classification (germline): Uncertain significance (1 of 4 stars; one submission).

Conditions:
Bardet-Biedl syndrome (BBS). Identifiers: Orphanet 110, MedGen C0752166, MONDO:0015229.

Submission:

Labcorp Genetics (formerly Invitae), Labcorp
Classification: Uncertain significance for Bardet-Biedl syndrome. Last evaluated: 2022-07-19. Review status: criteria provided, single submitter. Criteria: Invitae Variant Classification Sherloc (09022015). Collection method: clinical testing. Allele origin: germline.
Comment: This variant has not been reported in the literature in individuals affected with BBS12-related conditions. This variant is not present in population databases (gnomAD no frequency). This sequence change replaces alanine, which is neutral and non-polar, with valine, which is neutral and non-polar, at codon 581 of the BBS12 protein (p.Ala581Val). ClinVar contains an entry for this variant (Variation ID: 1463094). In summary, the available evidence is currently insufficient to determine the role of this variant in disease. Therefore, it has been classified as a Variant of Uncertain Significance. Algorithms developed to predict the effect of sequence changes on RNA splicing suggest that this variant may create or strengthen a splice site. Algorithms developed to predict the effect of missense changes on protein structure and function are either unavailable or do not agree on the potential impact of this missense change (SIFT: "Deleterious"; PolyPhen-2: "Possibly Damaging"; Align-GVGD: "Class C0").

NM_152618.3(BBS12):c.1742C>T (p.Ala581Val)

Gene: BBS12 (Bardet-Biedl syndrome 12; plus strand). Cytogenetic location: 4q27.
Variant type: single nucleotide variant.
Coding change: c.1742C>T on transcript NM_152618.3 (MANE Select); coding-DNA position 1742, C replaced by T.
Protein change: p.Ala581Val; replaces alanine 581 with valine.
Molecular consequence: missense variant.
Genome position (GRCh38, 1-based): chr4:122,743,634, C>T. VCF-style: chr4-122743634-C-T. GRCh37 (hg19) VCF-style: chr4-123664789-C-T.
Other names: c.1742C>T, p.Ala581Val (NM_001178007.2); short protein forms A581V.
Identifiers: ClinVar variation 1463094 (VCV001463094.8), dbSNP rs2150737702, ClinGen allele CA358225776.
Genomic context (GRCh38, chr4:122,743,634, plus strand): 5'-AAAACCATGCCTGCTCAGGGTGGCTGCATAATACTTCCTCTTGGCTGGCTTCATCTCTGG[C>T]AATATACAGACCAACTGTGCTTAAATTCCTGGCAAATGGATGGCAGAAATACCTTTCAAC-3'
Protein context (NP_689831.2, residues 571-591): NTSSWLASSL[Ala581Val]IYRPTVLKFL